The following is an entry in ClinVar:

ClinVar aggregate classification (germline): Uncertain significance (1 of 4 stars; one submission).

Conditions:
Malignant hyperthermia, susceptibility to, 1 (MHS1). Also called: RYR1-Related Malignant Hyperthermia Susceptibility; Anesthesia related hyperthermia; Malignant hyperpyrexia; Fulminating hyperpyrexia; Pharmacogenic myopathy; Malignant hyperthermia suceptibility 1. Identifiers: Orphanet 423, MedGen C2930980, MONDO:0007783, OMIM 145600.

Submission:

All of Us Research Program, National Institutes of Health
Classification: Uncertain significance for Malignant hyperthermia, susceptibility to, 1. Last evaluated: 2023-04-03. Review status: criteria provided, single submitter. Criteria: ACMG Guidelines, 2015. Collection method: clinical testing. Allele origin: germline. Inheritance: Autosomal dominant inheritance. Observed: 1 variant allele, 1 heterozygote.
Comment: This missense variant replaces arginine with threonine at codon 3595 of the RYR1 protein. Computational prediction suggests that this variant may have deleterious impact on protein structure and function (internally defined REVEL score threshold >= 0.7, PMID: 27666373). To our knowledge, functional studies have not been reported for this variant. This variant has not been reported in individuals affected with RYR1-related disorders in the literature. This variant has not been identified in the general population by the Genome Aggregation Database (gnomAD). The available evidence is insufficient to determine the role of this variant in disease conclusively. Therefore, this variant is classified as a Variant of Uncertain Significance.

This study involves interpretation of variants in research participants for the purpose of population health screening. Participant phenotype was not available at the time of variant classification. Additional details can be found in publication PMID: 35346344, PMCID: PMC8962531

NM_000540.3(RYR1):c.10784G>C (p.Arg3595Thr)

Gene: RYR1 (ryanodine receptor 1; plus strand). Cytogenetic location: 19q13.2.
Variant type: single nucleotide variant.
Coding change: c.10784G>C on transcript NM_000540.3 (MANE Select); coding-DNA position 10784, G replaced by C.
Protein change: p.Arg3595Thr; replaces arginine 3595 with threonine.
Molecular consequence: missense variant.
Genome position (GRCh38, 1-based): chr19:38,527,744, G>C. VCF-style: chr19-38527744-G-C. GRCh37 (hg19) VCF-style: chr19-39018384-G-C.
Other names: c.10769G>C, p.Arg3590Thr (NM_001042723.2); short protein forms R3590T, R3595T.
Identifiers: ClinVar variation 3070306 (VCV003070306.1), dbSNP rs2514489451, ClinGen allele CA405647110.